The following is an entry in ClinVar:

NM_002180.3(IGHMBP2):c.844G>A (p.Ala282Thr)

Gene: IGHMBP2 (immunoglobulin mu DNA binding protein 2; plus strand). Cytogenetic location: 11q13.3.
Variant type: single nucleotide variant.
Coding change: c.844G>A on transcript NM_002180.3 (MANE Select); coding-DNA position 844, G replaced by A.
Protein change: p.Ala282Thr; replaces alanine 282 with threonine.
Molecular consequence: missense variant.
Genome position (GRCh38, 1-based): chr11:68,914,955, G>A. VCF-style: chr11-68914955-G-A. GRCh37 (hg19) VCF-style: chr11-68682423-G-A.
Other names: c.844G>A (NM_002180.2); short protein forms A282T.
Identifiers: ClinVar variation 1490460 (VCV001490460.4), dbSNP rs2154007219, ClinGen allele CA381644476.

ClinVar aggregate classification (germline): Uncertain significance. Review status: criteria provided, multiple submitters, no conflicts (2 of 4 stars). 2 submissions from 2 submitters: Uncertain significance (2). Last evaluated 2025-08-22.

Conditions:
Autosomal recessive distal spinal muscular atrophy 1. Also called: SEVERE INFANTILE AXONAL NEUROPATHY WITH RESPIRATORY FAILURE; SPINAL MUSCULAR ATROPHY, DIAPHRAGMATIC; Spinal muscular atrophy with respiratory distress 1; NEURONOPATHY, SEVERE INFANTILE AXONAL, WITH RESPIRATORY FAILURE; NEURONOPATHY, DISTAL HEREDITARY MOTOR, HARDING TYPE VI; NEUROPATHY, DISTAL HEREDITARY MOTOR, AUTOSOMAL RECESSIVE 1. Identifiers: Orphanet 98920, MedGen C1858517, MONDO:0011436, OMIM 604320.
Charcot-Marie-Tooth disease axonal type 2S. Also called: CHARCOT-MARIE-TOOTH NEUROPATHY, TYPE 2S; CHARCOT-MARIE-TOOTH DISEASE, AXONAL, AUTOSOMAL RECESSIVE, TYPE 2S. Identifiers: Orphanet 443073, MedGen C4015349, MONDO:0014511, OMIM 616155.
Inborn genetic diseases. Identifiers: MedGen C0950123, MeSH D030342.

Submissions (2):

Ambry Genetics
Classification: Uncertain significance for Inborn genetic diseases. Last evaluated: 2025-08-22. Review status: criteria provided, single submitter. Criteria: Ambry Variant Classification Scheme 2023. Collection method: clinical testing. Allele origin: germline.

Labcorp Genetics (formerly Invitae), Labcorp
Classification: Uncertain significance for Autosomal recessive distal spinal muscular atrophy 1; Charcot-Marie-Tooth disease axonal type 2S. Last evaluated: 2021-08-03. Review status: criteria provided, single submitter. Criteria: Invitae Variant Classification Sherloc (09022015). Collection method: clinical testing. Allele origin: germline.
Comment: This sequence change replaces alanine with threonine at codon 282 of the IGHMBP2 protein (p.Ala282Thr). The alanine residue is moderately conserved and there is a small physicochemical difference between alanine and threonine. This variant is not present in population databases (ExAC no frequency). This variant has not been reported in the literature in individuals affected with IGHMBP2-related conditions. Advanced modeling of protein sequence and biophysical properties (such as structural, functional, and spatial information, amino acid conservation, physicochemical variation, residue mobility, and thermodynamic stability) performed at Invitae indicates that this missense variant is not expected to disrupt IGHMBP2 protein function. In summary, the available evidence is currently insufficient to determine the role of this variant in disease. Therefore, it has been classified as a Variant of Uncertain Significance.